The following is an entry in ClinVar:

ClinVar aggregate classification (germline): Uncertain significance. Review status: criteria provided, multiple submitters, no conflicts (2 of 4 stars). 3 submissions from 3 submitters: Uncertain significance (3). Last evaluated 2023-12-13.

Conditions:
Central core myopathy (CMYO1A). Also called: CONGENITAL MYOPATHY 1A, AUTOSOMAL DOMINANT, WITH SUSCEPTIBILITY TO MALIGNANT HYPERTHERMIA; Central core disease; Myopathy, central fibrillar. Identifiers: Orphanet 597, MedGen C5830701, MONDO:0007294, OMIM 117000.
Congenital multicore myopathy with external ophthalmoplegia (CMYO1B). Also called: Congenital myopathy 1B, autosomal recessive; Minicore myopathy; MULTICORE MYOPATHY; MULTIMINICORE DISEASE WITH EXTERNAL OPHTHALMOPLEGIA; Minicore myopathy with external ophthalmoplegia. Identifiers: Orphanet 598, Orphanet 98905, MedGen C1850674, MONDO:0009712, OMIM 255320, HP:0003789.
Malignant hyperthermia, susceptibility to, 1 (MHS1). Also called: Malignant hyperthermia suceptibility 1; RYR1-Related Malignant Hyperthermia Susceptibility; Anesthesia related hyperthermia; Malignant hyperpyrexia; Fulminating hyperpyrexia; Pharmacogenic myopathy. Identifiers: Orphanet 423, MedGen C2930980, MONDO:0007783, OMIM 145600.
Congenital myopathy with fiber type disproportion. Also called: Congenital fiber-type disproportion; Congenital fiber-type disproportion myopathy. Identifiers: Orphanet 2020, MedGen C0546264, MONDO:0009711. Inheritance: all.
King Denborough syndrome (KDS). Identifiers: MedGen C1840365, MONDO:0020485, OMIM 619542.

Allele frequency attached by ClinVar (database versions not stated): TOPMed below 0.00001.
gnomAD v4.1: 4 of 1,613,044 alleles (0.00025%); highest among the groups gnomAD compares: East Asian, 0.0022%; no homozygotes.

Submissions (3):

All of Us Research Program, National Institutes of Health
Classification: Uncertain significance for Malignant hyperthermia, susceptibility to, 1. Last evaluated: 2023-12-13. Review status: criteria provided, single submitter. Criteria: ACMG Guidelines, 2015. Collection method: clinical testing. Allele origin: germline. Inheritance: Autosomal dominant inheritance. Observed: 1 variant allele, 1 heterozygote.
Comment: This missense variant replaces arginine with cysteine at codon 2575 of the RYR1 protein. Computational prediction is inconclusive regarding the impact of this variant on protein structure and function (internally defined REVEL score threshold 0.5 < inconclusive < 0.7, PMID: 27666373). To our knowledge, functional studies have not been reported for this variant. This variant has not been reported in individuals affected with RYR1-related disorders in the literature. This variant has not been identified in the general population by the Genome Aggregation Database (gnomAD). The available evidence is insufficient to determine the role of this variant in disease conclusively. Therefore, this variant is classified as a Variant of Uncertain Significance.

This study involves interpretation of variants in research participants for the purpose of population health screening. Participant phenotype was not available at the time of variant classification. Additional details can be found in publication PMID: 35346344, PMCID: PMC8962531

Fulgent Genetics
Classification: Uncertain significance for Central core myopathy; Malignant hyperthermia, susceptibility to, 1; Congenital myopathy 4A, autosomal dominant; Congenital multicore myopathy with external ophthalmoplegia; King Denborough syndrome. Last evaluated: 2021-08-13. Review status: criteria provided, single submitter. Criteria: ACMG Guidelines, 2015. Collection method: clinical testing. Allele origin: unknown.

GeneDx
Classification: Uncertain significance. Last evaluated: 2020-07-22. Review status: criteria provided, single submitter. Criteria: GeneDx Variant Classification Process June 2021. Collection method: clinical testing. Allele origin: germline. Affected: yes.
Comment: Not observed in large population cohorts (Lek et al., 2016); In silico analysis supports that this missense variant does not alter protein structure/function; Has not been previously published as pathogenic or benign to our knowledge

NM_000540.3(RYR1):c.7723C>T (p.Arg2575Cys)

Gene: RYR1 (ryanodine receptor 1; plus strand). Cytogenetic location: 19q13.2.
Variant type: single nucleotide variant.
Coding change: c.7723C>T on transcript NM_000540.3 (MANE Select); coding-DNA position 7723, C replaced by T.
Protein change: p.Arg2575Cys; replaces arginine 2575 with cysteine.
Molecular consequence: missense variant.
Genome position (GRCh38, 1-based): chr19:38,502,615, C>T. VCF-style: chr19-38502615-C-T. GRCh37 (hg19) VCF-style: chr19-38993255-C-T.
Other names: c.7723C>T, p.Arg2575Cys (NM_001042723.2); short protein forms R2575C.
Identifiers: ClinVar variation 1179445 (VCV001179445.4), dbSNP rs1970183094, ClinGen allele CA082560.